The following is an entry in ClinVar:

ClinVar aggregate classification (germline): Uncertain significance (1 of 4 stars; one submission).

Conditions:
Arrhythmogenic right ventricular cardiomyopathy (ARVD). Also called: Arrhythmogenic right ventricular dysplasia; Cardiomyopathy, ARVC; Arrhythmogenic cardiomyopathy; Arrhythmogenic Right Ventricular Cardiomyopathy (ARVC). Identifiers: Orphanet 247, MedGen C0349788, MeSH D019571, MONDO:0016587. Disease mechanism: loss of function. Inheritance: Various modes of inheritance.

Submission:

All of Us Research Program, National Institutes of Health
Classification: Uncertain significance for Arrhythmogenic right ventricular cardiomyopathy. Last evaluated: 2023-11-20. Review status: criteria provided, single submitter. Criteria: ACMG Guidelines, 2015. Collection method: clinical testing. Allele origin: germline. Inheritance: Autosomal dominant inheritance. Observed: 1 variant allele, 1 heterozygote.
Comment: This missense variant replaces aspartic acid with valine at codon 451 of the PKP2 protein. Computational prediction is inconclusive regarding the impact of this variant on protein structure and function (internally defined REVEL score threshold 0.5 < inconclusive < 0.7, PMID: 27666373). To our knowledge, functional studies have not been reported for this variant. This variant has not been reported in individuals affected with PKP2-related disorders in the literature. This variant has not been identified in the general population by the Genome Aggregation Database (gnomAD). The available evidence is insufficient to determine the role of this variant in disease conclusively. Therefore, this variant is classified as a Variant of Uncertain Significance.

This study involves interpretation of variants in research participants for the purpose of population health screening. Participant phenotype was not available at the time of variant classification. Additional details can be found in publication PMID: 35346344, PMCID: PMC8962531

NM_001005242.3(PKP2):c.1352A>T (p.Asp451Val)

Gene: PKP2 (plakophilin 2; minus strand). Cytogenetic location: 12p11.21.
Variant type: single nucleotide variant.
Coding change: c.1352A>T on transcript NM_001005242.3 (MANE Select); coding-DNA position 1352, A replaced by T.
Protein change: p.Asp451Val; replaces aspartic acid 451 with valine.
Molecular consequence: missense variant.
Genome position (GRCh38, 1-based): chr12:32,850,792, T>A on the plus strand (A>T on the coding strand, the complement: PKP2 is on the minus strand). VCF-style: chr12-32850792-T-A. GRCh37 (hg19) VCF-style: chr12-33003726-T-A.
Other names: c.1352A>T, p.Asp451Val (NM_001407155.1, NM_001407156.1, NM_001407157.1 and 2 more transcripts); c.1025A>T, p.Asp342Val (NM_001407158.1, NM_001407159.1, NM_001407160.1 and 1 more transcripts); short protein forms D342V, D451V.
Identifiers: ClinVar variation 3074496 (VCV003074496.1), dbSNP rs2541285906, ClinGen allele CA384369691.